The following is an entry in ClinVar:

NM_001372.4(DNAH9):c.12844-1G>C

Gene: DNAH9 (dynein axonemal heavy chain 9; plus strand). Cytogenetic location: 17p12.
Variant type: single nucleotide variant.
Coding change: c.12844-1G>C on transcript NM_001372.4 (MANE Select); the canonical splice acceptor site of the intron before coding-DNA position 12844, G replaced by C.
Molecular consequence: splice acceptor variant.
Genome position (GRCh38, 1-based): chr17:11,961,866, G>C. VCF-style: chr17-11961866-G-C. GRCh37 (hg19) VCF-style: chr17-11865183-G-C.
Other names: c.1780-1G>C (NM_004662.2).
Identifiers: ClinVar variation 1979298 (VCV001979298.6), dbSNP rs574538366, ClinGen allele CA8398293.

ClinVar aggregate classification (germline): Conflicting classifications of pathogenicity. Review status: criteria provided, conflicting classifications (1 of 4 stars). 2 submissions from 2 submitters: Pathogenic (1); Uncertain significance (1). Last evaluated 2025-11-24.

Conditions:
Ciliary dyskinesia, primary, 40. Also called: CILIARY DYSKINESIA, PRIMARY, 40, WITH OR WITHOUT SITUS INVERSUS. Identifiers: MedGen C4749028, MONDO:0032664, OMIM 618300.

Allele frequency attached by ClinVar (database versions not stated): ExAC 0.00004.
gnomAD v4.1: 23 of 1,596,706 alleles (0.0014%); highest among the groups gnomAD compares: East Asian, 0.045%; no homozygotes.

Submissions (2):

Labcorp Genetics (formerly Invitae), Labcorp
Classification: Pathogenic. Last evaluated: 2025-11-24. Review status: criteria provided, single submitter. Criteria: Invitae Variant Classification Sherloc (09022015). Collection method: clinical testing. Allele origin: germline.
Comment: This sequence change affects an acceptor splice site in intron 67 of the DNAH9 gene. It is expected to disrupt RNA splicing. Variants that disrupt the donor or acceptor splice site typically lead to a loss of protein function (PMID: 16199547), and loss-of-function variants in DNAH9 are known to be pathogenic (PMID: 30471718). This variant is present in population databases (rs574538366, gnomAD 0.08%). Disruption of this splice site has been observed in individual(s) with clinical features of primary ciliary dyskinesia (PMID: 35050399, 36747106; internal data). ClinVar contains an entry for this variant (Variation ID: 1979298). Algorithms developed to predict the effect of sequence changes on RNA splicing suggest that this variant may disrupt the consensus splice site. For these reasons, this variant has been classified as Pathogenic.

Juno Genomics, Hangzhou Juno Genomics, Inc
Classification: Uncertain significance for Ciliary dyskinesia, primary, 40. Review status: criteria provided, single submitter. Criteria: ACMG Guidelines, 2015. Collection method: clinical testing. Allele origin: germline.
Comment: Absent from controls (or at extremely low frequency if recessive) in Genome Aggregation Database.;Null variant in a gene where loss of function (LOF) is a known mechanism of disease.;For recessive disorders, detected in trans with a pathogenic variant.;Patient's phenotype or family history is highly specific for a disease with a single genetic etiology.

Literature cited by the submitters: PubMed 16199547 (cited by Labcorp Genetics (formerly Invitae), Labcorp); PubMed 30471718 (cited by Labcorp Genetics (formerly Invitae), Labcorp); PubMed 35050399 (cited by Labcorp Genetics (formerly Invitae), Labcorp); PubMed 36747106 (cited by Labcorp Genetics (formerly Invitae), Labcorp).